The following is an entry in ClinVar:

NM_005188.4(CBL):c.367A>G (p.Met123Val)

Gene: CBL (Cbl proto-oncogene; plus strand). Cytogenetic location: 11q23.3.
Variant type: single nucleotide variant.
Coding change: c.367A>G on transcript NM_005188.4 (MANE Select); coding-DNA position 367, A replaced by G.
Protein change: p.Met123Val; replaces methionine 123 with valine.
Molecular consequence: missense variant.
Genome position (GRCh38, 1-based): chr11:119,232,619, A>G. VCF-style: chr11-119232619-A-G. GRCh37 (hg19) VCF-style: chr11-119103329-A-G.
Other names: c.367A>G (NM_005188.2); short protein forms M123V.
Identifiers: ClinVar variation 933585 (VCV000933585.10), dbSNP rs1949512275, ClinGen allele CA382895381.

ClinVar aggregate classification (germline): Uncertain significance. Review status: criteria provided, multiple submitters, no conflicts (2 of 4 stars). 2 submissions from 2 submitters: Uncertain significance (2). Last evaluated 2025-09-26.

Conditions:
Cardiovascular phenotype. Identifiers: MedGen CN230736.
RASopathy. Also called: rasopathies; Noonan spectrum disorder. Identifiers: Orphanet 536391, MedGen C5555857, MONDO:0021060.

Allele frequency attached by ClinVar (database versions not stated): gnomAD exomes below 0.00001.

Submissions (2):

Ambry Genetics
Classification: Uncertain significance for Cardiovascular phenotype. Last evaluated: 2025-09-26. Review status: criteria provided, single submitter. Criteria: Ambry Variant Classification Scheme 2023. Collection method: clinical testing. Allele origin: germline.
Comment: The p.M123V variant (also known as c.367A>G), located in coding exon 2 of the CBL gene, results from an A to G substitution at nucleotide position 367. The methionine at codon 123 is replaced by valine, an amino acid with highly similar properties. This amino acid position is conserved. In addition, the in silico prediction for this alteration is inconclusive. Based on the available evidence, the clinical significance of this variant remains unclear.

Labcorp Genetics (formerly Invitae), Labcorp
Classification: Uncertain significance for RASopathy. Last evaluated: 2020-08-21. Review status: criteria provided, single submitter. Criteria: Invitae Variant Classification Sherloc (09022015). Collection method: clinical testing. Allele origin: germline.
Comment: This variant is not present in population databases (ExAC no frequency). This sequence change replaces methionine with valine at codon 123 of the CBL protein (p.Met123Val). The methionine residue is moderately conserved and there is a small physicochemical difference between methionine and valine. This variant has not been reported in the literature in individuals with CBL-related conditions. Algorithms developed to predict the effect of missense changes on protein structure and function (SIFT, PolyPhen-2, Align-GVGD) all suggest that this variant is likely to be tolerated, but these predictions have not been confirmed by published functional studies and their clinical significance is uncertain. Algorithms developed to predict the effect of sequence changes on RNA splicing suggest that this variant may create or strengthen a splice site, but this prediction has not been confirmed by published transcriptional studies. In summary, the available evidence is currently insufficient to determine the role of this variant in disease. Therefore, it has been classified as a Variant of Uncertain Significance.